The following is an entry in ClinVar:

NM_001042492.3(NF1):c.4023G>C (p.Gln1341His)

Gene: NF1 (neurofibromin 1; plus strand). Cytogenetic location: 17q11.2.
Variant type: single nucleotide variant.
Coding change: c.4023G>C on transcript NM_001042492.3 (MANE Select); coding-DNA position 4023, G replaced by C.
Protein change: p.Gln1341His; replaces glutamine 1341 with histidine.
Molecular consequence: missense variant.
Genome position (GRCh38, 1-based): chr17:31,249,032, G>C. VCF-style: chr17-31249032-G-C. GRCh37 (hg19) VCF-style: chr17-29576050-G-C.
Other names: c.4023G>C, p.Gln1341His (NM_000267.4); short protein forms Q1341H.
Identifiers: ClinVar variation 2771165 (VCV002771165.4), dbSNP rs2151451421, ClinGen allele CA398994908.

ClinVar aggregate classification (germline): Uncertain significance. Review status: criteria provided, multiple submitters, no conflicts (2 of 4 stars). 2 submissions from 2 submitters: Uncertain significance (2). Last evaluated 2024-01-25.

Conditions:
Neurofibromatosis, type 1 (NF1). Also called: VON RECKLINGHAUSEN DISEASE; Neurofibromatosis, type I; NEUROFIBROMATOSIS, TYPE I, SOMATIC; Peripheral type neurofibromatosis. Identifiers: Orphanet 636, MedGen C0027831, MONDO:0018975, OMIM 162200. Disease mechanism: loss of function.
Hereditary cancer-predisposing syndrome. Also called: Hereditary neoplastic syndrome; Hereditary Cancer Syndrome; Neoplastic Syndromes, Hereditary; Tumor predisposition. Identifiers: Orphanet 140162, MedGen C0027672, MeSH D009386, MONDO:0015356.
Cardiovascular phenotype. Identifiers: MedGen CN230736.

Submissions (2):

Ambry Genetics
Classification: Uncertain significance for Cardiovascular phenotype; Hereditary cancer-predisposing syndrome. Last evaluated: 2024-01-25. Review status: criteria provided, single submitter. Criteria: Ambry Variant Classification Scheme 2023. Collection method: clinical testing. Allele origin: germline.
Comment: The p.Q1341H variant (also known as c.4023G>C), located in coding exon 30 of the NF1 gene, results from a G to C substitution at nucleotide position 4023. The glutamine at codon 1341 is replaced by histidine, an amino acid with highly similar properties. This amino acid position is highly conserved in available vertebrate species. In addition, this alteration is predicted to be deleterious by in silico analysis. Based on the available evidence, the clinical significance of this alteration remains unclear.

Labcorp Genetics (formerly Invitae), Labcorp
Classification: Uncertain significance for Neurofibromatosis, type 1. Last evaluated: 2023-10-23. Review status: criteria provided, single submitter. Criteria: Invitae Variant Classification Sherloc (09022015). Collection method: clinical testing. Allele origin: germline.
Comment: This sequence change replaces glutamine, which is neutral and polar, with histidine, which is basic and polar, at codon 1341 of the NF1 protein (p.Gln1341His). This variant is not present in population databases (gnomAD no frequency). This variant has not been reported in the literature in individuals affected with NF1-related conditions. Advanced modeling of protein sequence and biophysical properties (such as structural, functional, and spatial information, amino acid conservation, physicochemical variation, residue mobility, and thermodynamic stability) performed at Invitae indicates that this missense variant is not expected to disrupt NF1 protein function. In summary, the available evidence is currently insufficient to determine the role of this variant in disease. Therefore, it has been classified as a Variant of Uncertain Significance.